The following is an entry in ClinVar:

NM_002148.4(HOXD10):c.*495A>T

Gene: HOXD10 (homeobox D10; plus strand). Cytogenetic location: 2q31.1.
Variant type: single nucleotide variant.
Coding change: c.*495A>T on transcript NM_002148.4 (MANE Select); 495 bases downstream of the stop codon, A replaced by T.
Molecular consequence: 3 prime UTR variant.
Genome position (GRCh38, 1-based): chr2:176,119,726, A>T. VCF-style: chr2-176119726-A-T. GRCh37 (hg19) VCF-style: chr2-176984454-A-T.
Identifiers: ClinVar variation 332506 (VCV000332506.6), dbSNP rs13403839, ClinGen allele CA10613109.

ClinVar aggregate classification (germline): Benign. Review status: criteria provided, multiple submitters, no conflicts (2 of 4 stars). 2 submissions from 2 submitters: Benign (2). Last evaluated 2018-01-13.

Conditions:
Congenital vertical talus. Also called: PES VALGUS, CONGENITAL CONVEX; Rocker-bottom foot deformity. Identifiers: Orphanet 178382, MedGen C0240912, MONDO:0008652, OMIM 192950, HP:0001838.

Allele frequency attached by ClinVar (database versions not stated): 1000 Genomes Project 0.25379; 1000 Genomes Project 30x 0.26733; gnomAD exomes 0.28241; gnomAD 0.30030 and 0.30776; TOPMed 0.30580.

Submissions (2):

Illumina Laboratory Services, Illumina
Classification: Benign for Congenital vertical talus. Last evaluated: 2018-01-13. Review status: criteria provided, single submitter. Criteria: ICSL Variant Classification Criteria 13 December 2019. Collection method: clinical testing. Allele origin: germline.
Comment: This variant was observed in the ICSL laboratory as part of a predisposition screen in an ostensibly healthy population. It had not been previously curated by ICSL or reported in the Human Gene Mutation Database (HGMD: prior to June 1st, 2018), and was therefore a candidate for classification through an automated scoring system. Utilizing variant allele frequency, disease prevalence and penetrance estimates, and inheritance mode, an automated score was calculated to assess if this variant is too frequent to cause the disease. Based on the score and internal cut-off values, a variant classified as benign is not then subjected to further curation. The score for this variant resulted in a classification of benign for this disease.

Breakthrough Genomics
Classification: Benign. Review status: criteria provided, single submitter. Criteria: ACMG Guidelines, 2015. Collection method: not provided. Allele origin: germline. Inheritance: Autosomal dominant inheritance. Affected: yes.